The following is an entry in ClinVar:

ClinVar aggregate classification (germline): Uncertain significance (1 of 4 stars; one submission).

Conditions:
Schuurs-Hoeijmakers syndrome. Also called: PACS1-Related Neurodevelopmental Disorder. Identifiers: Orphanet 329224, MedGen C3554343, MONDO:0014006, OMIM 615009.

Submission:

Labcorp Genetics (formerly Invitae), Labcorp
Classification: Uncertain significance for Schuurs-Hoeijmakers syndrome. Last evaluated: 2023-04-09. Review status: criteria provided, single submitter. Criteria: Invitae Variant Classification Sherloc (09022015). Collection method: clinical testing. Allele origin: germline.
Comment: This variant has not been reported in the literature in individuals affected with PACS1-related conditions. This variant is not present in population databases (gnomAD no frequency). This sequence change replaces aspartic acid, which is acidic and polar, with tyrosine, which is neutral and polar, at codon 536 of the PACS1 protein (p.Asp536Tyr). Advanced modeling of protein sequence and biophysical properties (such as structural, functional, and spatial information, amino acid conservation, physicochemical variation, residue mobility, and thermodynamic stability) has been performed at Invitae for this missense variant, however the output from this modeling did not meet the statistical confidence thresholds required to predict the impact of this variant on PACS1 protein function. In summary, the available evidence is currently insufficient to determine the role of this variant in disease. Therefore, it has been classified as a Variant of Uncertain Significance.

NM_018026.4(PACS1):c.1606G>T (p.Asp536Tyr)

Gene: PACS1 (phosphofurin acidic cluster sorting protein 1; plus strand). Cytogenetic location: 11q13.2.
Variant type: single nucleotide variant.
Coding change: c.1606G>T on transcript NM_018026.4 (MANE Select); coding-DNA position 1606, G replaced by T.
Protein change: p.Asp536Tyr; replaces aspartic acid 536 with tyrosine.
Molecular consequence: missense variant.
Genome position (GRCh38, 1-based): chr11:66,230,920, G>T. VCF-style: chr11-66230920-G-T. GRCh37 (hg19) VCF-style: chr11-65998391-G-T.
Other names: short protein forms D536Y.
Identifiers: ClinVar variation 2824418 (VCV002824418.3), dbSNP rs2495581892, ClinGen allele CA381367910.